The following is an entry in ClinVar:

NM_000494.4(COL17A1):c.2081del (p.Pro694fs)

Gene: COL17A1 (collagen type XVII alpha 1 chain; minus strand). Cytogenetic location: 10q25.1.
Variant type: Deletion.
Coding change: c.2081del on transcript NM_000494.4 (MANE Select); coding-DNA position 2081, one base deleted (C; older notation c.2081delC).
Protein change: p.Pro694fs; shifts the reading frame from proline 694.
Molecular consequence: frameshift variant.
Genome position (GRCh38, 1-based): chr10:104,050,859, G deleted on the plus strand (C on the coding strand, the reverse complement: COL17A1 is on the minus strand); the first of 2 consecutive G bases (chr10:104,050,859-104,050,860); deleting either gives the same sequence. VCF-style (leftmost placement, unchanged base first): chr10-104050858-AG-A. GRCh37 (hg19) VCF-style: chr10-105810616-AG-A.
Other names: short protein forms P694fs.
Identifiers: ClinVar variation 2628584 (VCV002628584.1), dbSNP rs2493327107, ClinGen allele CA2610802078.

ClinVar aggregate classification (germline): Likely pathogenic (1 of 4 stars; one submission).

Conditions:
COL17A1-related disorder. Also called: COL17A1-related condition.

Submission:

PreventionGenetics, part of Exact Sciences
Classification: Likely pathogenic for COL17A1-related condition. Last evaluated: 2023-01-11. Review status: criteria provided, single submitter. Criteria: ACMG Guidelines, 2015. Collection method: clinical testing. Allele origin: germline.
Comment: The COL17A1 c.2081delC variant is predicted to result in a frameshift and premature protein termination (p.Pro694Leufs*33). To our knowledge, this variant has not been reported in the literature or in a large population database, indicating this variant is rare. Frameshift variants in COL17A1 are expected to be pathogenic. This variant is interpreted as likely pathogenic.